The following is an entry in ClinVar:

ClinVar aggregate classification (germline): Likely pathogenic (1 of 4 stars; one submission).

Submission:

Labcorp Genetics (formerly Invitae), Labcorp
Classification: Likely pathogenic. Last evaluated: 2025-12-14. Review status: criteria provided, single submitter. Criteria: Invitae Variant Classification Sherloc (09022015). Collection method: clinical testing. Allele origin: germline.
Comment: This sequence change affects an acceptor splice site in intron 11 of the COL9A1 gene. It is expected to disrupt RNA splicing. Variants that disrupt the donor or acceptor splice site typically lead to a loss of protein function (PMID: 16199547), and loss-of-function variants in COL9A1 are known to be pathogenic (PMID: 16909383, 21421862). This variant is not present in population databases (gnomAD no frequency). This variant has not been reported in the literature in individuals affected with COL9A1-related conditions. Algorithms developed to predict the effect of sequence changes on RNA splicing suggest that this variant may disrupt the consensus splice site. In summary, the currently available evidence indicates that the variant is pathogenic, but additional data are needed to prove that conclusively. Therefore, this variant has been classified as Likely Pathogenic.

Literature cited by the submitters: PubMed 16199547; PubMed 16909383; PubMed 21421862.

NM_001851.6(COL9A1):c.1030-2A>G

Gene: COL9A1 (collagen type IX alpha 1 chain; minus strand). Cytogenetic location: 6q13.
Variant type: single nucleotide variant.
Coding change: c.1030-2A>G on transcript NM_001851.6 (MANE Select); the canonical splice acceptor site of the intron before coding-DNA position 1030, A replaced by G.
Molecular consequence: splice acceptor variant.
Genome position (GRCh38, 1-based): chr6:70,274,084, T>C on the plus strand (A>G on the coding strand, the complement: COL9A1 is on the minus strand). VCF-style: chr6-70274084-T-C. GRCh37 (hg19) VCF-style: chr6-70983787-T-C.
Other names: c.301-2A>G (NM_001377290.1, NM_078485.4, NM_001377289.1).
Identifiers: ClinVar variation 4702347 (VCV004702347.1).